The following is an entry in ClinVar:

NM_152641.4(ARID2):c.3687A>G (p.Ser1229=)

Gene: ARID2 (AT-rich interaction domain 2; plus strand). Cytogenetic location: 12q12.
Variant type: single nucleotide variant.
Coding change: c.3687A>G on transcript NM_152641.4 (MANE Select); coding-DNA position 3687, A replaced by G.
Protein change: p.Ser1229=; no amino-acid change (serine 1229 retained).
Molecular consequence: synonymous variant.
Genome position (GRCh38, 1-based): chr12:45,851,810, A>G. VCF-style: chr12-45851810-A-G. GRCh37 (hg19) VCF-style: chr12-46245593-A-G.
Other names: c.3687A>G, p.Ser1229= (NM_001347839.2).
Identifiers: ClinVar variation 3770813 (VCV003770813.13).

ClinVar aggregate classification (germline): Likely benign (1 of 4 stars; one submission).

gnomAD v4.1: 38 of 1,614,124 alleles (0.0024%); highest among the groups gnomAD compares: East Asian, 0.025%; no homozygotes.

Submission:

CeGaT Center for Human Genetics Tuebingen
Classification: Likely benign. Last evaluated: 2025-02-01. Review status: criteria provided, single submitter. Criteria: CeGaT Center For Human Genetics Tuebingen Variant Classification Criteria Version 2. Collection method: clinical testing. Allele origin: germline. Affected: yes. Observed: 1 variant allele.
Comment: ARID2: BP4, BP7